The following is an entry in ClinVar:

NM_173551.5(ANKS6):c.877C>T (p.Arg293Ter)

Gene: ANKS6 (ankyrin repeat and sterile alpha motif domain containing 6; minus strand). Cytogenetic location: 9q22.33.
Variant type: single nucleotide variant.
Coding change: c.877C>T on transcript NM_173551.5 (MANE Select); coding-DNA position 877, C replaced by T.
Protein change: p.Arg293Ter; replaces arginine 293 with a stop codon.
Molecular consequence: nonsense.
Genome position (GRCh38, 1-based): chr9:98,784,862, G>A on the plus strand (C>T on the coding strand, the complement: ANKS6 is on the minus strand). VCF-style: chr9-98784862-G-A. GRCh37 (hg19) VCF-style: chr9-101547144-G-A.
Other names: short protein forms R293*.
Identifiers: ClinVar variation 3596086 (VCV003596086.3).
Genomic context (GRCh38, chr9:98,784,862, plus strand): 5'-ATATCCAAAAAGATTTTCTAAAGCGCTTACCCATTTTCAATGCATGGAAAATATCAGGTC[G>A]CCTTTTCTCCTCATCTGGGTAAACAAAGATTTTTAAAGTTAACCACGGAAAGGTTTAATA-3'

ClinVar aggregate classification (germline): Likely pathogenic. Review status: criteria provided, multiple submitters, no conflicts (2 of 4 stars). 2 submissions from 2 submitters: Likely pathogenic (2). Last evaluated 2024-05-13.

Conditions:
Nephronophthisis 16 (NPHP16). Identifiers: Orphanet 655, MedGen C3809320, MONDO:0014158, OMIM 615382.

gnomAD v4.1: 3 of 1,613,276 alleles (0.00019%); highest among the groups gnomAD compares: East Asian, 0.0022%; no homozygotes.

Submissions (2):

Fulgent Genetics
Classification: Likely pathogenic for Nephronophthisis 16. Last evaluated: 2024-05-13. Review status: criteria provided, single submitter. Criteria: ACMG Guidelines, 2015. Collection method: clinical testing. Allele origin: germline.

Juno Genomics, Hangzhou Juno Genomics, Inc
Classification: Likely pathogenic for Nephronophthisis 16. Review status: criteria provided, single submitter. Criteria: ACMG Guidelines, 2015. Collection method: clinical testing. Allele origin: germline.
Comment: Null variant in a gene where loss of function (LOF) is a known mechanism of disease.;Absent from controls (or at extremely low frequency if recessive) in Genome Aggregation Database.